The following is an entry in ClinVar:

NM_004336.5(BUB1):c.1218-2A>G

Gene: BUB1 (BUB1 mitotic checkpoint serine/threonine kinase; minus strand). Cytogenetic location: 2q13.
Variant type: single nucleotide variant.
Coding change: c.1218-2A>G on transcript NM_004336.5 (MANE Select); the canonical splice acceptor site of the intron before coding-DNA position 1218, A replaced by G.
Molecular consequence: splice acceptor variant.
Genome position (GRCh38, 1-based): chr2:110,660,038, T>C on the plus strand (A>G on the coding strand, the complement: BUB1 is on the minus strand). VCF-style: chr2-110660038-T-C. GRCh37 (hg19) VCF-style: chr2-111417615-T-C.
Other names: c.1158-2A>G (NM_001278616.2); c.1218-2A>G (NM_001278617.2).
Identifiers: ClinVar variation 3707654 (VCV003707654.2).
Genomic context (GRCh38, chr2:110,660,038, plus strand): 5'-CTTCTTTGATCTCTGCTCCACTCTGTGGCTTGAATTCATGAGTACTCTTATTCACACATC[T>C]GGAAGAGAAAACTCTTGAGACACACTAGAGAATAAAATGCTTGATCTAGGCTGGGTGCGG-3'

ClinVar aggregate classification (germline): Uncertain significance (1 of 4 stars; one submission).

gnomAD v4.1: 29 of 1,610,442 alleles (0.0018%); highest among the groups gnomAD compares: African/African-American, 0.031%; no homozygotes.

Submission:

Labcorp Genetics (formerly Invitae), Labcorp
Classification: Uncertain significance. Last evaluated: 2025-08-25. Review status: criteria provided, single submitter. Criteria: Invitae Variant Classification Sherloc (09022015). Collection method: clinical testing. Allele origin: germline.
Comment: This sequence change affects an acceptor splice site in intron 10 of the BUB1 gene. It is expected to disrupt RNA splicing. Variants that disrupt the donor or acceptor splice site typically lead to a loss of protein function (PMID: 16199547), however the current clinical and genetic evidence is not sufficient to establish whether loss-of-function variants in BUB1 cause disease. This variant is present in population databases (rs148509304, gnomAD 0.02%). This variant has not been reported in the literature in individuals affected with BUB1-related conditions. ClinVar contains an entry for this variant (Variation ID: 3707654). Algorithms developed to predict the effect of sequence changes on RNA splicing suggest that this variant may disrupt the consensus splice site. In summary, the available evidence is currently insufficient to determine the role of this variant in disease. Therefore, it has been classified as a Variant of Uncertain Significance.

Literature cited by the submitters: PubMed 16199547.